The following is an entry in ClinVar:

NM_001375808.2(LPIN2):c.79C>G (p.Leu27Val)

Gene: LPIN2 (lipin 2; minus strand). Cytogenetic location: 18p11.31.
Variant type: single nucleotide variant.
Coding change: c.79C>G on transcript NM_001375808.2 (MANE Select); coding-DNA position 79, C replaced by G.
Protein change: p.Leu27Val; replaces leucine 27 with valine.
Molecular consequence: missense variant.
Genome position (GRCh38, 1-based): chr18:2,960,762, G>C on the plus strand (C>G on the coding strand, the complement: LPIN2 is on the minus strand). VCF-style: chr18-2960762-G-C. GRCh37 (hg19) VCF-style: chr18-2960760-G-C.
Other names: c.79C>G, p.Leu27Val (NM_001375809.1, NM_014646.2); short protein forms L27V.
Identifiers: ClinVar variation 2104162 (VCV002104162.4), dbSNP rs2510296962, ClinGen allele CA401711602.

ClinVar aggregate classification (germline): Uncertain significance (1 of 4 stars; one submission).

Conditions:
Majeed syndrome (MJDS). Also called: LPIN2-Related Majeed Syndrome; CHRONIC RECURRENT MULTIFOCAL OSTEOMYELITIS 1, WITH CONGENITAL DYSERYTHROPOIETIC ANEMIA, WITH OR WITHOUT NEUTROPHILIC DERMATOSIS. Identifiers: Orphanet 77297, MedGen C1864997, MONDO:0012316, OMIM 609628.

Submission:

Labcorp Genetics (formerly Invitae), Labcorp
Classification: Uncertain significance for Majeed syndrome. Last evaluated: 2022-02-28. Review status: criteria provided, single submitter. Criteria: Invitae Variant Classification Sherloc (09022015). Collection method: clinical testing. Allele origin: germline.
Comment: This variant has not been reported in the literature in individuals affected with LPIN2-related conditions. This variant is not present in population databases (gnomAD no frequency). This sequence change replaces leucine, which is neutral and non-polar, with valine, which is neutral and non-polar, at codon 27 of the LPIN2 protein (p.Leu27Val). In summary, the available evidence is currently insufficient to determine the role of this variant in disease. Therefore, it has been classified as a Variant of Uncertain Significance. Algorithms developed to predict the effect of missense changes on protein structure and function (SIFT, PolyPhen-2, Align-GVGD) all suggest that this variant is likely to be disruptive.